The following is an entry in ClinVar:

ClinVar aggregate classification (germline): Uncertain significance (3 of 4 stars; one submission).

Conditions:
Open-angle glaucoma. Identifiers: MedGen C0017612, MONDO:0005338, HP:0012108.

Submission:

ClinGen Glaucoma Variant Curation Expert Panel
Classification: Uncertain significance for Open-angle glaucoma. Last evaluated: 2026-01-20. Review status: reviewed by expert panel. Criteria: ClinGen Glaucoma ACMG Specifications V2.0.0 Approved. Collection method: curation. Allele origin: germline. Inheritance: Autosomal dominant inheritance.
Comment: The c.1130C>G variant in MYOC is a missense variant predicted to cause substitution of Threonine by Arginine at amino acid 377 (p.Thr377Arg). This variant was not found in any genetic ancestry group of gnomAD (v4.1.0), meeting the ≤ 0.0001 threshold set for PM2_Supporting in a genetic ancestry group of at least 10,000 alleles. The REVEL score = 0.897, which was within the 0.773-0.931 range for PP3_Moderate, predicting a damaging effect on MYOC function. The assays in this study (PMID: 40081751), measuring solubility and secretion of the Thr377Arg protein, did not meet the OddsPath threshold for PS3_Supporting (> 2.1). 7 segregations in 1 family, with juvenile open angle glaucoma (JOAG), have been reported (PMID: 23886590), which fulfilled PP1_Moderate (≥5 meioses in ≥1 family, but not the ≥7 meioses in >1 family for the strong criterion). Only 1 proband with JOAG had been reported (PMID: 23886590), not meeting the ≥ 2 probands threshold required to meet PS4_Supporting. PM5_Supporting could not be applied to this novel missense variant as although it did meet PP3, the Grantham score was lower (=71) than the score for the different missense changes at the same amino acid residue determined to be pathogenic (c.1130C>T, p.Thr377Met, Grantham score=81) and likely pathogenic (c.1130C>A, p.Thr377Lys, Grantham score=78), by the ClinGen Glaucoma VCEP. In summary, this variant met the criteria to receive a score of 5 and to be classified as a variant of uncertain significance (uncertain significance classification range -1 to 5, adapted from PMID: 32720330) for juvenile open angle glaucoma based on the ACMG/AMP criteria met, as specified by the ClinGen Glaucoma VCEP (v2.0.0, 5 Dec 2024): PP1_Moderate, PP3_Moderate, PM2_Supporting

NM_000261.2(MYOC):c.1130C>G (p.Thr377Arg)

Gene: MYOC (myocilin; minus strand). Cytogenetic location: 1q24.3.
Variant type: single nucleotide variant.
Coding change: c.1130C>G on transcript NM_000261.2 (MANE Select); coding-DNA position 1130, C replaced by G.
Protein change: p.Thr377Arg; replaces threonine 377 with arginine.
Molecular consequence: missense variant.
Genome position (GRCh38, 1-based): chr1:171,636,310, G>C on the plus strand (C>G on the coding strand, the complement: MYOC is on the minus strand). VCF-style: chr1-171636310-G-C. GRCh37 (hg19) VCF-style: chr1-171605450-G-C.
Other names: NM_000261.2:c.1130C>G; short protein forms T377R.
Identifiers: ClinVar variation 2429762 (VCV002429762.2), dbSNP rs566289099, ClinGen allele CA343724604.